The following is an entry in ClinVar:

ClinVar aggregate classification (germline): Likely pathogenic (1 of 4 stars; one submission).

Conditions:
Ethylmalonic encephalopathy (EE). Also called: EPEMA syndrome; Encephalopathy, petechiae, and ethylmalonic aciduria; Syndrome of encephalopathy, petechiae, and ethylmalonic aciduria. Identifiers: Orphanet 51188, MedGen C1865349, MONDO:0011229, OMIM 602473. Disease mechanism: loss of function.

Submission:

Natera, Inc.
Classification: Likely pathogenic for Ethylmalonic encephalopathy. Last evaluated: 2025-05-21. Review status: criteria provided, single submitter. Criteria: Natera Variant Classification Schema (03/2026). Collection method: clinical testing. Allele origin: germline.
Comment: The c.557del variant in ETHE1 is a frameshift variant predicted to shift the reading frame beginning at codon 186 and leads to a stop codon 5 codons downstream. This variant is expected to result in nonsense mediated decay, truncation, or a dysfunctional protein product. This variant is rare in the general population with a frequency below the threshold expected for the associated phenotype(s). Given the available evidence, this variant is classified as Likely Pathogenic.

NM_014297.5(ETHE1):c.557del (p.Pro186fs)

Gene: ETHE1 (ETHE1 persulfide dioxygenase; minus strand). Cytogenetic location: 19q13.31.
Variant type: Deletion.
Coding change: c.557del on transcript NM_014297.5 (MANE Select); coding-DNA position 557, one base deleted (C; older notation c.557delC).
Protein change: p.Pro186fs; shifts the reading frame from proline 186.
Molecular consequence: frameshift variant.
Genome position (GRCh38, 1-based): chr19:43,508,813, G deleted on the plus strand (C on the coding strand, the reverse complement: ETHE1 is on the minus strand); the first of 2 consecutive G bases (chr19:43,508,813-43,508,814); deleting either gives the same sequence. VCF-style (leftmost placement, unchanged base first): chr19-43508812-TG-T. GRCh37 (hg19) VCF-style: chr19-44012964-TG-T.
Other names: c.524del, p.Pro175fs (NM_001320867.2); c.188del, p.Pro63fs (NM_001320868.2); c.263del, p.Pro88fs (NM_001320869.2); short protein forms P175fs, P186fs, P63fs, P88fs.
Identifiers: ClinVar variation 4067475 (VCV004067475.2).